The following is an entry in ClinVar:

NM_201599.3(ZMYM3):c.2549T>G (p.Met850Arg)

Gene: ZMYM3 (zinc finger MYM-type containing 3; minus strand). Cytogenetic location: Xq13.1.
Variant type: single nucleotide variant.
Coding change: c.2549T>G on transcript NM_201599.3 (MANE Select); coding-DNA position 2549, T replaced by G.
Protein change: p.Met850Arg; replaces methionine 850 with arginine.
Molecular consequence: missense variant.
Genome position (GRCh38, 1-based): chrX:71,246,376, A>C on the plus strand (T>G on the coding strand, the complement: ZMYM3 is on the minus strand). VCF-style: chrX-71246376-A-C. GRCh37 (hg19) VCF-style: chrX-70466226-A-C.
Other names: c.2513T>G, p.Met838Arg (NM_001171162.1); c.2549T>G, p.Met850Arg (NM_005096.3); short protein forms M838R, M850R.
Identifiers: ClinVar variation 3370741 (VCV003370741.1).

ClinVar aggregate classification (germline): Uncertain significance (1 of 4 stars; one submission).

Submission:

GeneDx
Classification: Uncertain significance. Last evaluated: 2024-03-08. Review status: criteria provided, single submitter. Criteria: GeneDx Variant Classification Process June 2021. Collection method: clinical testing. Allele origin: germline. Affected: yes.
Comment: Not observed at significant frequency in large population cohorts (gnomAD); In silico analysis supports that this missense variant has a deleterious effect on protein structure/function; Has not been previously published as pathogenic or benign to our knowledge